The following is an entry in ClinVar:

ClinVar aggregate classification (germline): Pathogenic (1 of 4 stars; one submission).

Conditions:
Joubert syndrome. Also called: Familial aplasia of the vermis; JOUBERT-BOLTSHAUSER SYNDROME; CEREBELLOPARENCHYMAL DISORDER IV. Identifiers: Orphanet 475, MedGen C5979921, MONDO:0018772.
Orofaciodigital syndrome I (OFD1). Also called: Papillon-Leage and Psaume Syndrome; OFDS I; Oral-Facial-Digital Syndrome Type I. Identifiers: Orphanet 2750, MedGen C1510460, MONDO:0010702, OMIM 311200.

Submission:

Labcorp Genetics (formerly Invitae), Labcorp
Classification: Pathogenic for Orofaciodigital syndrome I; Joubert syndrome. Last evaluated: 2025-10-29. Review status: criteria provided, single submitter. Criteria: Invitae Variant Classification Sherloc (09022015). Collection method: clinical testing. Allele origin: germline.
Comment: This sequence change affects a donor splice site in intron 18 of the OFD1 gene. RNA analysis indicates that disruption of this splice site induces altered splicing and may result in an absent or altered protein product. This variant is not present in population databases (gnomAD no frequency). Disruption of this splice site has been observed in individual(s) with clinical features of OFD1-related conditions (PMID: 30581852). Studies have shown that disruption of this splice site alters OFD1 gene expression (PMID: 30581852). Studies have shown that disruption of this splice site results in skipping of exon 18, and produces a non-functional protein and/or introduces a premature termination codon (PMID: 30581852). For these reasons, this variant has been classified as Pathogenic.

Literature cited by the submitters: PubMed 30581852.

NM_003611.3(OFD1):c.2488+2T>A

Gene: OFD1 (OFD1 centriole and centriolar satellite protein; plus strand). Cytogenetic location: Xp22.2.
Variant type: single nucleotide variant.
Coding change: c.2488+2T>A on transcript NM_003611.3 (MANE Select); the canonical splice donor site of the intron after coding-DNA position 2488, T replaced by A.
Molecular consequence: splice donor variant.
Genome position (GRCh38, 1-based): chrX:13,762,446, T>A. VCF-style: chrX-13762446-T-A. GRCh37 (hg19) VCF-style: chrX-13780565-T-A.
Other names: c.2068+2T>A (NM_001330210.2); c.2488+2T>A (NM_001440947.1); c.2368+2T>A (NM_001330209.2, NM_001440948.1).
Identifiers: ClinVar variation 4786256 (VCV004786256.1).